The following is an entry in ClinVar:

ClinVar aggregate classification (germline): Uncertain significance (1 of 4 stars; one submission).

Allele frequency attached by ClinVar (database versions not stated): gnomAD exomes below 0.00001; TOPMed 0.00002.
gnomAD v4.1: 1 of 1,534,494 alleles (0.000065%); highest among the groups gnomAD compares: East Asian, 0.0024%; no homozygotes.

Submission:

Labcorp Genetics (formerly Invitae), Labcorp
Classification: Uncertain significance. Last evaluated: 2022-10-03. Review status: criteria provided, single submitter. Criteria: Invitae Variant Classification Sherloc (09022015). Collection method: clinical testing. Allele origin: germline.
Comment: In summary, the available evidence is currently insufficient to determine the role of this variant in disease. Therefore, it has been classified as a Variant of Uncertain Significance. Advanced modeling of protein sequence and biophysical properties (such as structural, functional, and spatial information, amino acid conservation, physicochemical variation, residue mobility, and thermodynamic stability) performed at Invitae indicates that this missense variant is not expected to disrupt NEFH protein function. This variant has not been reported in the literature in individuals affected with NEFH-related conditions. This variant is not present in population databases (gnomAD no frequency). This sequence change replaces serine, which is neutral and polar, with asparagine, which is neutral and polar, at codon 81 of the NEFH protein (p.Ser81Asn).

NM_021076.4(NEFH):c.242G>A (p.Ser81Asn)

Gene: NEFH (neurofilament heavy chain; plus strand). Cytogenetic location: 22q12.2.
Variant type: single nucleotide variant.
Coding change: c.242G>A on transcript NM_021076.4 (MANE Select); coding-DNA position 242, G replaced by A.
Protein change: p.Ser81Asn; replaces serine 81 with asparagine.
Molecular consequence: missense variant.
Genome position (GRCh38, 1-based): chr22:29,480,504, G>A. VCF-style: chr22-29480504-G-A. GRCh37 (hg19) VCF-style: chr22-29876493-G-A.
Other names: short protein forms S81N.
Identifiers: ClinVar variation 1963061 (VCV001963061.5), dbSNP rs2062997380, ClinGen allele CA411122157.